The following is an entry in ClinVar:

NM_001379270.1(CNGA1):c.1827T>G (p.Ile609Met)

Genes: CNGA1 (cyclic nucleotide gated channel subunit alpha 1; minus strand), LOC101927157 (uncharacterized LOC101927157; plus strand). Cytogenetic location: 4p12.
Variant type: single nucleotide variant.
Coding change: c.1827T>G on transcript NM_001379270.1 (MANE Select); coding-DNA position 1827, T replaced by G.
Protein change: p.Ile609Met; replaces isoleucine 609 with methionine.
Molecular consequence: missense variant.
Genome position (GRCh38, 1-based): chr4:47,936,655, A>C on the plus strand (T>G on the coding strand, the complement: CNGA1 is on the minus strand). VCF-style: chr4-47936655-A-C. GRCh37 (hg19) VCF-style: chr4-47938672-A-C.
Other names: c.1827T>G, p.Ile609Met (NM_000087.5, NM_001142564.2); short protein forms I609M.
Identifiers: ClinVar variation 1968937 (VCV001968937.5), dbSNP rs1449963070, ClinGen allele CA356823562.
Genomic context (GRCh38, chr4:47,936,655, plus strand): 5'-TGACCCCTCCATTCGAGTAACCTTCTCTTCAAGATCTTTAGGATCACTGCCAGCATTTGC[A>C]ATGTTTAGATCCAGTAGACCATCTTTCATTAAAATCTGCTTCCCTTTCTCTTCCAGCATA-3'
Protein context (NP_001366199.1, residues 599-619): LMKDGLLDLN[Ile609Met]ANAGSDPKDL

ClinVar aggregate classification (germline): Uncertain significance (1 of 4 stars; one submission).

Allele frequency attached by ClinVar (database versions not stated): gnomAD exomes 0.00002.
gnomAD v4.1: 23 of 1,614,146 alleles (0.0014%); highest among the groups gnomAD compares: Non-Finnish European, 0.0019%; no homozygotes.

Submission:

Labcorp Genetics (formerly Invitae), Labcorp
Classification: Uncertain significance. Last evaluated: 2022-04-11. Review status: criteria provided, single submitter. Criteria: Invitae Variant Classification Sherloc (09022015). Collection method: clinical testing. Allele origin: germline.
Comment: In summary, the available evidence is currently insufficient to determine the role of this variant in disease. Therefore, it has been classified as a Variant of Uncertain Significance. Algorithms developed to predict the effect of missense changes on protein structure and function are either unavailable or do not agree on the potential impact of this missense change (SIFT: "Deleterious"; PolyPhen-2: "Benign"; Align-GVGD: "Class C0"). This variant has not been reported in the literature in individuals affected with CNGA1-related conditions. This variant is present in population databases (no rsID available, gnomAD 0.0009%). This sequence change replaces isoleucine, which is neutral and non-polar, with methionine, which is neutral and non-polar, at codon 613 of the CNGA1 protein (p.Ile613Met).